The following is an entry in ClinVar:

ClinVar aggregate classification (germline): Likely pathogenic (0 of 4 stars; one submission).

Conditions:
DSCAM-related disorder. Also called: DSCAM-related condition.

Submission:

PreventionGenetics, part of Exact Sciences
Classification: Likely pathogenic for DSCAM-related condition. Last evaluated: 2024-02-07. Review status: no assertion criteria provided. Collection method: clinical testing. Allele origin: germline.
Comment: The DSCAM c.750delG variant is predicted to result in a frameshift and premature protein termination (p.His251Thrfs*9). To our knowledge, this variant has not been reported in the literature or in a large population database, indicating this variant is rare. Frameshift variants in DSCAM are expected to be pathogenic. This variant is interpreted as likely pathogenic.

NM_001389.5(DSCAM):c.750del (p.His251fs)

Gene: DSCAM (DS cell adhesion molecule; minus strand). Cytogenetic location: 21q22.2.
Variant type: Deletion.
Coding change: c.750del on transcript NM_001389.5 (MANE Select); coding-DNA position 750, one base deleted (G; older notation c.750delG).
Protein change: p.His251fs; shifts the reading frame from histidine 251.
Molecular consequence: frameshift variant. On other transcripts: non-coding transcript variant (1).
Genome position (GRCh38, 1-based): chr21:40,353,649, C deleted on the plus strand (G on the coding strand, the reverse complement: DSCAM is on the minus strand); the first of 3 consecutive C bases (chr21:40,353,649-40,353,651); deleting any one gives the same sequence. VCF-style (leftmost placement, unchanged base first): chr21-40353648-GC-G. GRCh37 (hg19) VCF-style: chr21-41725575-GC-G.
Other names: c.750del, p.His251fs (NM_001271534.3); c.748delG, p.His251Thrfs (NM_206887.1); short protein forms H251fs.
Identifiers: ClinVar variation 3061432 (VCV003061432.2), dbSNP rs2516873033, ClinGen allele CA2740094713.